The following is an entry in ClinVar:

ClinVar aggregate classification (germline): Uncertain significance (1 of 4 stars; one submission).

Allele frequency attached by ClinVar (database versions not stated): ExAC 0.00001; gnomAD exomes 0.00001.

Submission:

Labcorp Genetics (formerly Invitae), Labcorp
Classification: Uncertain significance. Last evaluated: 2022-10-01. Review status: criteria provided, single submitter. Criteria: Invitae Variant Classification Sherloc (09022015). Collection method: clinical testing. Allele origin: germline.
Comment: In summary, the available evidence is currently insufficient to determine the role of this variant in disease. Therefore, it has been classified as a Variant of Uncertain Significance. Advanced modeling of protein sequence and biophysical properties (such as structural, functional, and spatial information, amino acid conservation, physicochemical variation, residue mobility, and thermodynamic stability) performed at Invitae indicates that this missense variant is not expected to disrupt MYO6 protein function. This variant has not been reported in the literature in individuals affected with MYO6-related conditions. This variant is present in population databases (rs772942800, gnomAD 0.0009%). This sequence change replaces proline, which is neutral and non-polar, with arginine, which is basic and polar, at codon 309 of the MYO6 protein (p.Pro309Arg).

NM_004999.4(MYO6):c.926C>G (p.Pro309Arg)

Gene: MYO6 (myosin VI; plus strand). Cytogenetic location: 6q14.1.
Variant type: single nucleotide variant.
Coding change: c.926C>G on transcript NM_004999.4 (MANE Select); coding-DNA position 926, C replaced by G.
Protein change: p.Pro309Arg; replaces proline 309 with arginine.
Molecular consequence: missense variant. On other transcripts: non-coding transcript variant (1).
Genome position (GRCh38, 1-based): chr6:75,848,379, C>G. VCF-style: chr6-75848379-C-G. GRCh37 (hg19) VCF-style: chr6-76558096-C-G.
Other names: c.926C>G, p.Pro309Arg (NM_001300899.2, NM_001368136.1, NM_001368137.1 and 2 more transcripts); c.911C>G, p.Pro304Arg (NM_001368138.1); short protein forms P304R, P309R.
Identifiers: ClinVar variation 1945517 (VCV001945517.5), dbSNP rs772942800, ClinGen allele CA3897002.